The following is an entry in ClinVar:

NM_001378477.3(NYX):c.497T>C (p.Phe166Ser)

Gene: NYX (nyctalopin; plus strand). Cytogenetic location: Xp11.4.
Variant type: single nucleotide variant.
Coding change: c.497T>C on transcript NM_001378477.3 (MANE Select); coding-DNA position 497, T replaced by C.
Protein change: p.Phe166Ser; replaces phenylalanine 166 with serine.
Molecular consequence: missense variant.
Genome position (GRCh38, 1-based): chrX:41,473,965, T>C. VCF-style: chrX-41473965-T-C. GRCh37 (hg19) VCF-style: chrX-41333218-T-C.
Other names: c.497T>C, p.Phe166Ser (NM_022567.3); short protein forms F166S.
Identifiers: ClinVar variation 4744168 (VCV004744168.1).

ClinVar aggregate classification (germline): Uncertain significance (1 of 4 stars; one submission).

Submission:

Labcorp Genetics (formerly Invitae), Labcorp
Classification: Uncertain significance. Last evaluated: 2025-04-22. Review status: criteria provided, single submitter. Criteria: Invitae Variant Classification Sherloc (09022015). Collection method: clinical testing. Allele origin: germline.
Comment: This sequence change replaces phenylalanine, which is neutral and non-polar, with serine, which is neutral and polar, at codon 171 of the NYX protein (p.Phe171Ser). This variant is not present in population databases (gnomAD no frequency). This variant has not been reported in the literature in individuals affected with NYX-related conditions. Invitae Evidence Modeling of protein sequence and biophysical properties (such as structural, functional, and spatial information, amino acid conservation, physicochemical variation, residue mobility, and thermodynamic stability) has been performed for this missense variant. However, the output from this modeling did not meet the statistical confidence thresholds required to predict the impact of this variant on NYX protein function. In summary, the available evidence is currently insufficient to determine the role of this variant in disease. Therefore, it has been classified as a Variant of Uncertain Significance.